The following is an entry in ClinVar:

ClinVar aggregate classification (germline): Uncertain significance (1 of 4 stars; one submission).

Submission:

GeneDx
Classification: Uncertain significance. Last evaluated: 2026-03-27. Review status: criteria provided, single submitter. Criteria: GeneDx Variant Classification Process June 2021. Collection method: clinical testing. Allele origin: germline.
Comment: Not observed at significant frequency in large population cohorts (gnomAD); In silico analysis suggests that this missense variant does not alter protein structure/function; Has not been previously published as pathogenic or benign to our knowledge

NM_138792.4(LEO1):c.84T>G (p.Asp28Glu)

Gene: LEO1 (LEO1 component of Paf1/RNA polymerase II complex; minus strand). Cytogenetic location: 15q21.2.
Variant type: single nucleotide variant.
Coding change: c.84T>G on transcript NM_138792.4 (MANE Select); coding-DNA position 84, T replaced by G.
Protein change: p.Asp28Glu; replaces aspartic acid 28 with glutamic acid.
Molecular consequence: missense variant.
Genome position (GRCh38, 1-based): chr15:51,966,479, A>C on the plus strand (T>G on the coding strand, the complement: LEO1 is on the minus strand). VCF-style: chr15-51966479-A-C. GRCh37 (hg19) VCF-style: chr15-52258676-A-C.
Other names: c.84T>G, p.Asp28Glu (NM_001286430.2, NM_001323903.2, NM_001323904.2 and 2 more transcripts); short protein forms D28E.
Identifiers: ClinVar variation 5017721 (VCV005017721.1).